The following is an entry in ClinVar:

ClinVar aggregate classification (germline): Uncertain significance (1 of 4 stars; one submission).

Conditions:
Cardiovascular phenotype. Identifiers: MedGen CN230736.

gnomAD v4.1: 1 of 1,613,614 alleles (0.000062%); highest among the groups gnomAD compares: Admixed American, 0.0017%; no homozygotes.

Submission:

Ambry Genetics
Classification: Uncertain significance for Cardiovascular phenotype. Last evaluated: 2023-12-21. Review status: criteria provided, single submitter. Criteria: Ambry Variant Classification Scheme 2023. Collection method: clinical testing. Allele origin: germline.
Comment: The p.R176G variant (also known as c.526C>G), located in coding exon 5 of the EFEMP2 gene, results from a C to G substitution at nucleotide position 526. The arginine at codon 176 is replaced by glycine, an amino acid with dissimilar properties. This amino acid position is conserved. In addition, the in silico prediction for this alteration is inconclusive. Since supporting evidence is limited at this time, the clinical significance of this alteration remains unclear.

NM_016938.5(EFEMP2):c.526C>G (p.Arg176Gly)

Gene: EFEMP2 (EGF containing fibulin extracellular matrix protein 2; minus strand). Cytogenetic location: 11q13.1.
Variant type: single nucleotide variant.
Coding change: c.526C>G on transcript NM_016938.5 (MANE Select); coding-DNA position 526, C replaced by G.
Protein change: p.Arg176Gly; replaces arginine 176 with glycine.
Molecular consequence: missense variant. On other transcripts: non-coding transcript variant (1).
Genome position (GRCh38, 1-based): chr11:65,870,202, G>C on the plus strand (C>G on the coding strand, the complement: EFEMP2 is on the minus strand). VCF-style: chr11-65870202-G-C. GRCh37 (hg19) VCF-style: chr11-65637673-G-C.
Other names: short protein forms R176G.
Identifiers: ClinVar variation 3226932 (VCV003226932.1), dbSNP rs773297046, ClinGen allele CA381361040.